The following is an entry in ClinVar:

NM_000206.3(IL2RG):c.1046C>T (p.Ser349Phe)

Gene: IL2RG (interleukin 2 receptor subunit gamma; minus strand). Cytogenetic location: Xq13.1.
Variant type: single nucleotide variant.
Coding change: c.1046C>T on transcript NM_000206.3 (MANE Select); coding-DNA position 1046, C replaced by T.
Protein change: p.Ser349Phe; replaces serine 349 with phenylalanine.
Molecular consequence: missense variant.
Genome position (GRCh38, 1-based): chrX:71,107,800, G>A on the plus strand (C>T on the coding strand, the complement: IL2RG is on the minus strand). VCF-style: chrX-71107800-G-A. GRCh37 (hg19) VCF-style: chrX-70327650-G-A.
Other names: short protein forms S349F.
Identifiers: ClinVar variation 2147551 (VCV002147551.4), dbSNP rs2521699841, ClinGen allele CA413627755.

ClinVar aggregate classification (germline): Uncertain significance (1 of 4 stars; one submission).

Conditions:
X-linked severe combined immunodeficiency (SCIDX1). Also called: X-Linked Combined Immunodeficiency Diseases; IMMUNODEFICIENCY 4; SCID, X-LINKED; SEVERE COMBINED IMMUNODEFICIENCY, X-LINKED, T CELL-NEGATIVE, B CELL-POSITIVE, NK CELL-NEGATIVE; T-B+ severe combined immunodeficiency due to gamma chain deficiency. Identifiers: Orphanet 276, MedGen C6022468, MONDO:0010315, OMIM 300400. Disease mechanism: loss of function.

Submission:

Labcorp Genetics (formerly Invitae), Labcorp
Classification: Uncertain significance for X-linked severe combined immunodeficiency. Last evaluated: 2022-02-10. Review status: criteria provided, single submitter. Criteria: Invitae Variant Classification Sherloc (09022015). Collection method: clinical testing. Allele origin: germline.
Comment: This variant is not present in population databases (gnomAD no frequency). This variant has not been reported in the literature in individuals affected with IL2RG-related conditions. Advanced modeling of protein sequence and biophysical properties (such as structural, functional, and spatial information, amino acid conservation, physicochemical variation, residue mobility, and thermodynamic stability) performed at Invitae indicates that this missense variant is not expected to disrupt IL2RG protein function. In summary, the available evidence is currently insufficient to determine the role of this variant in disease. Therefore, it has been classified as a Variant of Uncertain Significance. This sequence change replaces serine, which is neutral and polar, with phenylalanine, which is neutral and non-polar, at codon 349 of the IL2RG protein (p.Ser349Phe).